The following is an entry in ClinVar:

NM_000479.5(AMH):c.1505G>T (p.Arg502Leu)

Gene: AMH (anti-Mullerian hormone; plus strand). Cytogenetic location: 19p13.3.
Variant type: single nucleotide variant.
Coding change: c.1505G>T on transcript NM_000479.5 (MANE Select); coding-DNA position 1505, G replaced by T.
Protein change: p.Arg502Leu; replaces arginine 502 with leucine.
Molecular consequence: missense variant.
Genome position (GRCh38, 1-based): chr19:2,251,779, G>T. VCF-style: chr19-2251779-G-T. GRCh37 (hg19) VCF-style: chr19-2251778-G-T.
Other names: short protein forms R502L.
Identifiers: ClinVar variation 3374814 (VCV003374814.1).

ClinVar aggregate classification (germline): Uncertain significance (1 of 4 stars; one submission).

gnomAD v4.1: 75 of 1,610,390 alleles (0.0047%); highest among the groups gnomAD compares: Non-Finnish European, 0.0056%; no homozygotes.

Submission:

Women's Health and Genetics/Laboratory Corporation of America, LabCorp
Classification: Uncertain significance. Last evaluated: 2024-09-13. Review status: criteria provided, single submitter. Criteria: LabCorp Variant Classification Summary - May 2015. Collection method: clinical testing. Allele origin: germline.
Comment: Variant summary: AMH c.1505G>T (p.Arg502Leu) results in a non-conservative amino acid change located in the C-terminal domain (IPR001839) of the encoded protein sequence. Two of four in-silico tools predict a benign effect of the variant on protein function. The variant allele was found at a frequency of 4.7e-05 in 1603398 control chromosomes in the gnomAD database (v4.1 dataset). The variant, c.1505G>T, has been reported in the literature in a homozygous individual affected with Persistent Mullerian duct syndrome, who had normal AMH level (e.g. Nishi_2012, Gomes_2022). These reports do not provide unequivocal conclusions about association of the variant with Persistent Mullerian duct syndrome. To our knowledge, no experimental evidence demonstrating an impact on protein function has been reported. The following publications have been ascertained in the context of this evaluation (PMID: 23295284, 35134971). No submitters have cited clinical-significance assessments for this variant to ClinVar. Based on the evidence outlined above, the variant was classified as uncertain significance.

Literature cited by the submitters: PubMed 35134971; PubMed 23295284.